The following is an entry in ClinVar:

ClinVar aggregate classification (germline): Pathogenic (1 of 4 stars; one submission).

Conditions:
Congenital myasthenic syndrome 5. Identifiers: Orphanet 590, MedGen C1864233, MONDO:0011281, OMIM 603034.

Submission:

Labcorp Genetics (formerly Invitae), Labcorp
Classification: Pathogenic for Congenital myasthenic syndrome 5. Last evaluated: 2023-11-08. Review status: criteria provided, single submitter. Criteria: Invitae Variant Classification Sherloc (09022015). Collection method: clinical testing. Allele origin: germline.
Comment: This sequence change creates a premature translational stop signal (p.Gly283*) in the COLQ gene. It is expected to result in an absent or disrupted protein product. Loss-of-function variants in COLQ are known to be pathogenic (PMID: 22678886). This variant is not present in population databases (gnomAD no frequency). This premature translational stop signal has been observed in individual(s) with clinical features of congenital myasthenic syndrome (PMID: 30124556). For these reasons, this variant has been classified as Pathogenic.

Literature cited by the submitters: PubMed 22678886; PubMed 30124556.

NM_005677.4(COLQ):c.847G>T (p.Gly283Ter)

Gene: COLQ (collagen like tail subunit of asymmetric acetylcholinesterase; minus strand). Cytogenetic location: 3p25.1.
Variant type: single nucleotide variant.
Coding change: c.847G>T on transcript NM_005677.4 (MANE Select); coding-DNA position 847, G replaced by T.
Protein change: p.Gly283Ter; replaces glycine 283 with a stop codon.
Molecular consequence: nonsense.
Genome position (GRCh38, 1-based): chr3:15,458,293, C>A on the plus strand (G>T on the coding strand, the complement: COLQ is on the minus strand). VCF-style: chr3-15458293-C-A. GRCh37 (hg19) VCF-style: chr3-15499800-C-A.
Other names: c.817G>T, p.Gly273Ter (NM_080538.2); c.745G>T, p.Gly249Ter (NM_080539.4); short protein forms G273*, G283*, G249*.
Identifiers: ClinVar variation 2910166 (VCV002910166.3), dbSNP rs2062054043, ClinGen allele CA351597413.